The following is an entry in ClinVar:

NM_000719.7(CACNA1C):c.4500C>A (p.Ile1500=)

Gene: CACNA1C (calcium voltage-gated channel subunit alpha1 C; plus strand). Cytogenetic location: 12p13.33.
Variant type: single nucleotide variant.
Coding change: c.4500C>A on transcript NM_000719.7 (MANE Select); coding-DNA position 4500, C replaced by A.
Protein change: p.Ile1500=; no amino-acid change (isoleucine 1500 retained).
Molecular consequence: synonymous variant.
Genome position (GRCh38, 1-based): chr12:2,665,682, C>A. VCF-style: chr12-2665682-C-A. GRCh37 (hg19) VCF-style: chr12-2774848-C-A.
Other names: c.4644C>A, p.Ile1548= (NM_001129827.2, NM_199460.4); c.4566C>A, p.Ile1522= (NM_001129829.2); c.4500C>A, p.Ile1500= (NM_001129830.3, NM_001129833.2, NM_001129834.2 and 7 more transcripts); c.4584C>A, p.Ile1528= (NM_001129831.2); c.4560C>A, p.Ile1520= (NM_001129832.2); c.4551C>A, p.Ile1517= (NM_001129836.2); c.4467C>A, p.Ile1489= (NM_001129837.2, NM_001129838.2, NM_001129846.2 and 1 more transcripts); c.4461C>A, p.Ile1487= (NM_001129839.2); and 1 more.
Identifiers: ClinVar variation 1459258 (VCV001459258.34), dbSNP rs752697651, ClinGen allele CA6389552.

ClinVar aggregate classification (germline): Likely benign. Review status: criteria provided, multiple submitters, no conflicts (2 of 4 stars). 3 submissions from 3 submitters: Likely benign (3). Last evaluated 2025-05-07.

Conditions:
Long QT syndrome (LQTS). Identifiers: MedGen C0023976, MeSH D008133, MONDO:0002442. Disease mechanism: loss of function. Inheritance: Various modes of inheritance.
Cardiovascular phenotype. Identifiers: MedGen CN230736.

Allele frequency attached by ClinVar (database versions not stated): TOPMed 0.00001; gnomAD exomes 0.00004 and 0.00006; ExAC 0.00006.
gnomAD v4.1: 56 of 1,613,556 alleles (0.0035%); highest among the groups gnomAD compares: South Asian, 0.06%; 2 homozygotes.

Submissions (3):

Labcorp Genetics (formerly Invitae), Labcorp
Classification: Likely benign for Long QT syndrome. Last evaluated: 2025-05-07. Review status: criteria provided, single submitter. Criteria: Invitae Variant Classification Sherloc (09022015). Collection method: clinical testing. Allele origin: germline.

CeGaT Center for Human Genetics Tuebingen
Classification: Likely benign. Last evaluated: 2022-04-01. Review status: criteria provided, single submitter. Criteria: CeGaT Center For Human Genetics Tuebingen Variant Classification Criteria Version 2. Collection method: clinical testing. Allele origin: germline. Affected: yes. Observed: 1 variant allele.
Comment: CACNA1C: BP4, BP7

Ambry Genetics
Classification: Likely benign for Cardiovascular phenotype. Last evaluated: 2020-03-16. Review status: criteria provided, single submitter. Criteria: Ambry Variant Classification Scheme 2023. Collection method: clinical testing. Allele origin: germline.